The following is an entry in ClinVar:

NM_001283009.2(RTEL1):c.2616AGG[1] (p.Gly874del)

Genes: RTEL1 (regulator of telomere elongation helicase 1; plus strand), RTEL1-TNFRSF6B (RTEL1-TNFRSF6B readthrough (NMD candidate); plus strand). Cytogenetic location: 20q13.33.
Variant type: Microsatellite.
Coding change: c.2616AGG[1] on transcript NM_001283009.2 (MANE Select); one copy of the 3-base unit AGG starting at c.2616; the reference has two copies in a row; one copy, 3 bases deleted.
Protein change: p.Gly874del; deletes glycine 874.
Molecular consequence: inframe deletion. On other transcripts: non-coding transcript variant (1).
Genome position (GRCh38, 1-based): chr20:63,691,804-63,691,806, AGG deleted; deleting any 3 consecutive bases within chr20:63,691,800-63,691,806 gives the same sequence; the position shown is the placement nearest the transcript's 3' end. VCF-style (leftmost placement, unchanged base first): chr20-63691799-CGAG-C. GRCh37 (hg19) VCF-style: chr20-62323152-CGAG-C.
Other names: c.1947AGG[1], p.Gly651del (NM_001283010.1); c.2616AGG[1], p.Gly874del (NM_016434.4); c.2688AGG[1], p.Gly898del (NM_032957.5); short protein forms G898del, G651del, G874del.
Identifiers: ClinVar variation 2068007 (VCV002068007.4), dbSNP rs1568715177, ClinGen allele CA636359435.

ClinVar aggregate classification (germline): Uncertain significance (1 of 4 stars; one submission).

Conditions:
Dyskeratosis congenita, autosomal recessive 5 (DKCB5). Identifiers: MedGen C3554656, MONDO:0014076, OMIM 615190.
Pulmonary fibrosis and/or bone marrow failure, Telomere-related, 3. Also called: PULMONARY FIBROSIS AND/OR BONE MARROW FAILURE SYNDROME, TELOMERE-RELATED, 3. Identifiers: Orphanet 2032, MedGen C4225346, MONDO:0014613, OMIM 616373.

Submission:

Labcorp Genetics (formerly Invitae), Labcorp
Classification: Uncertain significance for Dyskeratosis congenita, autosomal recessive 5; Pulmonary fibrosis and/or bone marrow failure, Telomere-related, 3. Last evaluated: 2022-08-16. Review status: criteria provided, single submitter. Criteria: Invitae Variant Classification Sherloc (09022015). Collection method: clinical testing. Allele origin: germline.
Comment: In summary, the available evidence is currently insufficient to determine the role of this variant in disease. Therefore, it has been classified as a Variant of Uncertain Significance. Experimental studies and prediction algorithms are not available or were not evaluated, and the functional significance of this variant is currently unknown. This variant has not been reported in the literature in individuals affected with RTEL1-related conditions. This variant is present in population databases (no rsID available, gnomAD 0.0009%). This variant, c.2619_2621del, results in the deletion of 1 amino acid(s) of the RTEL1 protein (p.Gly874del), but otherwise preserves the integrity of the reading frame.